The following is an entry in ClinVar:

ClinVar aggregate classification (germline): Uncertain significance (1 of 4 stars; one submission).

gnomAD v4.1: 3 of 1,614,190 alleles (0.00019%); highest among the groups gnomAD compares: Non-Finnish European, 0.00025%; no homozygotes.

Submission:

Laboratorio de Genetica e Diagnostico Molecular, Hospital Israelita Albert Einstein
Classification: Uncertain significance. Last evaluated: 2022-01-18. Review status: criteria provided, single submitter. Criteria: ACMG Guidelines, 2015. Collection method: clinical testing. Allele origin: germline. Affected: yes.
Comment: ACMG classification criteria: PM2

NM_018671.5(UNC45A):c.2253C>A (p.Phe751Leu)

Gene: UNC45A (unc-45 myosin chaperone A; plus strand). Cytogenetic location: 15q26.1.
Variant type: single nucleotide variant.
Coding change: c.2253C>A on transcript NM_018671.5 (MANE Select); coding-DNA position 2253, C replaced by A.
Protein change: p.Phe751Leu; replaces phenylalanine 751 with leucine.
Molecular consequence: missense variant.
Genome position (GRCh38, 1-based): chr15:90,950,565, C>A. VCF-style: chr15-90950565-C-A. GRCh37 (hg19) VCF-style: chr15-91493795-C-A.
Other names: c.2208C>A, p.Phe736Leu (NM_001039675.2, NM_001323621.2); c.2253C>A, p.Phe751Leu (NM_001323619.1); c.1818C>A, p.Phe606Leu (NM_001323620.2); short protein forms F606L, F736L, F751L.
Identifiers: ClinVar variation 1690546 (VCV001690546.2), dbSNP rs189500978, ClinGen allele CA393860973.